The following is an entry in ClinVar:

NM_000179.3(MSH6):c.1188C>T (p.Leu396=)

Gene: MSH6 (mutS homolog 6; plus strand). Cytogenetic location: 2p16.3.
Variant type: single nucleotide variant.
Coding change: c.1188C>T on transcript NM_000179.3 (MANE Select); coding-DNA position 1188, C replaced by T.
Protein change: p.Leu396=; no amino-acid change (leucine 396 retained).
Molecular consequence: synonymous variant.
Genome position (GRCh38, 1-based): chr2:47,799,171, C>T. VCF-style: chr2-47799171-C-T. GRCh37 (hg19) VCF-style: chr2-48026310-C-T.
Other names: c.798C>T, p.Leu266= (NM_001281492.2); c.282C>T, p.Leu94= (NM_001281493.2, NM_001281494.2).
Identifiers: ClinVar variation 416178 (VCV000416178.23), dbSNP rs786202626, ClinGen allele CA16611119.

ClinVar aggregate classification (germline): Benign/Likely benign. Review status: criteria provided, multiple submitters, no conflicts (2 of 4 stars). 7 submissions from 7 submitters: Benign (1); Likely benign (5). 1 of the submissions does not count toward it. Last evaluated 2026-01-05.

Conditions:
Hereditary nonpolyposis colorectal neoplasms. Identifiers: MedGen C0009405, MeSH D003123.
Hereditary cancer-predisposing syndrome. Also called: Tumor predisposition; Neoplastic Syndromes, Hereditary; Hereditary neoplastic syndrome; Hereditary Cancer Syndrome. Identifiers: Orphanet 140162, MedGen C0027672, MeSH D009386, MONDO:0015356.
MSH6-related disorder. Also called: MSH6-related condition; MSH6-Related disorders.
Lynch syndrome 5 (LYNCH5). Also called: Colorectal cancer, hereditary nonpolyposis, type 5; Hereditary non-polyposis colorectal cancer, type 5. Identifiers: Orphanet 144, MedGen C1833477, MONDO:0013710, OMIM 614350. Disease mechanism: loss of function.
Lynch syndrome. Identifiers: Orphanet 144, MedGen C4552100, MONDO:0005835. Disease mechanism: loss of function.

Allele frequency attached by ClinVar (database versions not stated): gnomAD exomes below 0.00001; gnomAD 0.00001; TOPMed 0.00003.

Submissions (7):

Labcorp Genetics (formerly Invitae), Labcorp
Classification: Likely benign for Hereditary nonpolyposis colorectal neoplasms. Last evaluated: 2026-01-05. Review status: criteria provided, single submitter. Criteria: Invitae Variant Classification Sherloc (09022015). Collection method: clinical testing. Allele origin: germline.

Myriad Genetics, Inc.
Classification: Benign for Lynch syndrome 5. Last evaluated: 2024-12-23. Review status: criteria provided, single submitter. Criteria: Myriad Autosomal Dominant, Autosomal Recessive and X-Linked Classification Criteria (2023). Collection method: clinical testing. Allele origin: unknown.
Comment: This variant is considered benign. This variant is a silent/synonymous amino acid change and it is not expected to impact splicing.

All of Us Research Program, National Institutes of Health
Classification: Likely benign for Lynch syndrome. Last evaluated: 2023-10-30. Review status: criteria provided, single submitter. Criteria: ACMG Guidelines, 2015. Collection method: clinical testing. Allele origin: germline. Inheritance: Autosomal dominant inheritance. Observed: 1 variant allele, 1 heterozygote.
Comment: This study involves interpretation of variants in research participants for the purpose of population health screening. Participant phenotype was not available at the time of variant classification. Additional details can be found in publication PMID: 35346344, PMCID: PMC8962531

Quest Diagnostics Nichols Institute San Juan Capistrano
Classification: Likely benign. Last evaluated: 2019-11-27. Review status: criteria provided, single submitter. Criteria: Quest Diagnostics criteria. Collection method: clinical testing. Allele origin: unknown.

Color Diagnostics, LLC DBA Color Health
Classification: Likely benign for Hereditary cancer-predisposing syndrome. Last evaluated: 2017-03-03. Review status: criteria provided, single submitter. Criteria: ACMG Guidelines, 2015. Collection method: clinical testing. Allele origin: germline.

Ambry Genetics
Classification: Likely benign for Hereditary cancer-predisposing syndrome. Last evaluated: 2017-02-08. Review status: criteria provided, single submitter. Criteria: Ambry Variant Classification Scheme 2023. Collection method: clinical testing. Allele origin: germline.

PreventionGenetics, part of Exact Sciences
Classification: Likely benign for MSH6-related condition. Last evaluated: 2019-06-20. Review status: no assertion criteria provided. Collection method: clinical testing. Allele origin: germline. Not counted in ClinVar's aggregate classification.
Comment: This variant is classified as likely benign based on ACMG/AMP sequence variant interpretation guidelines (Richards et al. 2015 PMID: 25741868, with internal and published modifications).